The following is an entry in ClinVar:

ClinVar aggregate classification (germline): Benign/Likely benign. Review status: criteria provided, multiple submitters, no conflicts (2 of 4 stars). 4 submissions from 4 submitters: Benign (2); Likely benign (1). 1 of the submissions does not count toward it. Last evaluated 2026-02-01.

Conditions:
TRIM28-related disorder. Also called: TRIM28-related condition.

Allele frequency attached by ClinVar (database versions not stated): ESP Exome Variant Server 0.00046; 1000 Genomes Project 30x 0.00047; 1000 Genomes Project 0.00060; TOPMed 0.00065; gnomAD exomes 0.00068; ExAC 0.00089; gnomAD 0.00123.
gnomAD v4.1: 1,195 of 1,614,074 alleles (0.074%); highest among the groups gnomAD compares: Non-Finnish European, 0.073%; 1 homozygote.

Submissions (4):

CeGaT Center for Human Genetics Tuebingen
Classification: Likely benign. Last evaluated: 2026-02-01. Review status: criteria provided, single submitter. Criteria: CeGaT Center For Human Genetics Tuebingen Variant Classification Criteria Version 2. Collection method: clinical testing. Allele origin: germline. Affected: yes. Observed: 29 variant alleles.
Comment: TRIM28: BP4, BP7

Labcorp Genetics (formerly Invitae), Labcorp
Classification: Benign. Last evaluated: 2026-01-26. Review status: criteria provided, single submitter. Criteria: Invitae Variant Classification Sherloc (09022015). Collection method: clinical testing. Allele origin: germline.

Laboratory of Genetics, Children's Clinical University Hospital Latvia
Classification: Benign. Last evaluated: 2025-02-16. Review status: criteria provided, single submitter. Criteria: ACMG Guidelines, 2015. Collection method: clinical testing. Allele origin: germline. Affected: yes.

PreventionGenetics, part of Exact Sciences
Classification: Likely benign for TRIM28-related condition. Last evaluated: 2023-10-13. Review status: no assertion criteria provided. Collection method: clinical testing. Allele origin: germline. Not counted in ClinVar's aggregate classification.
Comment: This variant is classified as likely benign based on ACMG/AMP sequence variant interpretation guidelines (Richards et al. 2015 PMID: 25741868, with internal and published modifications).

NM_005762.3(TRIM28):c.1581C>T (p.Ala527=)

Gene: TRIM28 (tripartite motif containing 28; plus strand). Cytogenetic location: 19q13.43.
Variant type: single nucleotide variant.
Coding change: c.1581C>T on transcript NM_005762.3 (MANE Select); coding-DNA position 1581, C replaced by T.
Protein change: p.Ala527=; no amino-acid change (alanine 527 retained).
Molecular consequence: synonymous variant.
Genome position (GRCh38, 1-based): chr19:58,549,159, C>T. VCF-style: chr19-58549159-C-T. GRCh37 (hg19) VCF-style: chr19-59060526-C-T.
Other names: c.1581C>T (NM_005762.2).
Identifiers: ClinVar variation 1879457 (VCV001879457.34), dbSNP rs143891026, ClinGen allele CA9719304.
Genomic context (GRCh38, chr19:58,549,159, plus strand): 5'-GGTCTTCCCAGGCAGTACCACTGAGGACTACAACCTTATTGTTATTGAACGTGGCGCTGC[C>T]GCTGCAGCTACCGGCCAGCCAGGGACTGCGCCTGCAGGAACCCCTGGTGCCCCACCCCTG-3'
Protein context (NP_005753.1, residues 517-537): YNLIVIERGA[Ala527=]AAATGQPGTA